The following is an entry in ClinVar:

ClinVar aggregate classification (germline): Uncertain significance (1 of 4 stars; one submission).

Conditions:
Cardiovascular phenotype. Identifiers: MedGen CN230736.

Submission:

Ambry Genetics
Classification: Uncertain significance for Cardiovascular phenotype. Last evaluated: 2025-01-27. Review status: criteria provided, single submitter. Criteria: Ambry Variant Classification Scheme 2023. Collection method: clinical testing. Allele origin: germline.
Comment: The p.K391I variant (also known as c.1172A>T), located in coding exon 9 of the MAT2A gene, results from an A to T substitution at nucleotide position 1172. The lysine at codon 391 is replaced by isoleucine, an amino acid with dissimilar properties. This amino acid position is conserved. In addition, the in silico prediction for this alteration is inconclusive. Based on the available evidence, the clinical significance of this variant remains unclear.

NM_005911.6(MAT2A):c.1172A>T (p.Lys391Ile)

Genes: GGCX (gamma-glutamyl carboxylase; minus strand), MAT2A (methionine adenosyltransferase 2A; plus strand). Cytogenetic location: 2p11.2.
Variant type: single nucleotide variant.
Coding change: c.1172A>T on transcript NM_005911.6 (MANE Select); coding-DNA position 1172, A replaced by T.
Protein change: p.Lys391Ile; replaces lysine 391 with isoleucine.
Molecular consequence: missense variant.
Genome position (GRCh38, 1-based): chr2:85,543,756, A>T. VCF-style: chr2-85543756-A-T. GRCh37 (hg19) VCF-style: chr2-85770879-A-T.
Other names: short protein forms K391I.
Identifiers: ClinVar variation 3870758 (VCV003870758.1).
Genomic context (GRCh38, chr2:85,543,756, plus strand): 5'-ATCAGAGGACTGCAGCCTATGGCCACTTTGGTAGGGACAGCTTCCCATGGGAAGTGCCCA[A>T]AAAGCTTAAATATTGAAAGTGTTAGCCTTTTTTCCCCAGACTTGTTGGCGTAGGCTACAG-3'
Protein context (NP_005902.1, residues 381-395): GRDSFPWEVP[Lys391Ile]KLKY